The following is an entry in ClinVar:

ClinVar aggregate classification (germline): Conflicting classifications of pathogenicity. Review status: criteria provided, conflicting classifications (1 of 4 stars). 3 submissions from 2 submitters: Uncertain significance (2); Likely benign (1). Last evaluated 2024-02-24.

Conditions:
Transitory neonatal diabetes mellitus. Also called: Transient neonatal diabetes mellitus. Identifiers: MedGen C0342273, MONDO:0020525, HP:0008255.
Maturity-onset diabetes of the young (MODY). Also called: Maturity onset diabetes mellitus in young. Identifiers: Orphanet 552, MedGen C0342276, MONDO:0018911, HP:0004904.

Allele frequency attached by ClinVar (database versions not stated): gnomAD exomes 0.00001; ExAC 0.00005.
gnomAD v4.1: 9 of 1,603,202 alleles (0.00056%); highest among the groups gnomAD compares: Non-Finnish European, 0.00077%; no homozygotes.

Submissions (3):

Labcorp Genetics (formerly Invitae), Labcorp
Classification: Likely benign. Last evaluated: 2024-02-24. Review status: criteria provided, single submitter. Criteria: Invitae Variant Classification Sherloc (09022015). Collection method: clinical testing. Allele origin: germline.

Clinical Genomics, Uppaluri K&H Personalized Medicine Clinic
Classification: Uncertain significance for Maturity-onset diabetes of the young. Review status: criteria provided, single submitter. Criteria: K & H Uppaluri Personalized Medicine Clinic Variant Classification & Assertion Criteria_Updated V.1. Collection method: research. Allele origin: unknown. Inheritance: Somatic mutation.
Comment: Mutations in ABCC8 gene are associated with both neonatal diabetes mellitus as well as MODY. Patients with this mutation may have a better response to sulfonylureas. However, no sufficient evidence is found to ascertain the role of this particular variant ( rs767395738) in MODY yet.

Clinical Genomics, Uppaluri K&H Personalized Medicine Clinic
Classification: Uncertain significance for Transitory neonatal diabetes mellitus. Review status: criteria provided, single submitter. Criteria: K & H Uppaluri Personalized Medicine Clinic Variant Classification & Assertion Criteria_Updated V.1. Collection method: research. Allele origin: unknown. Inheritance: Somatic mutation.
Comment: Mutations in ABCC8 gene are associated with both neonatal diabetes mellitus as well as MODY. Patients with this mutation may have a better response to sulfonylureas. However, no sufficient evidence is found to ascertain the role of this particular variant ( rs767395738) in neonatal diabetes yet.

Literature cited by the submitters: PubMed 16885549 (cited by Clinical Genomics, Uppaluri K&H Personalized Medicine Clinic); PubMed 21989597 (cited by Clinical Genomics, Uppaluri K&H Personalized Medicine Clinic); PubMed 27538677 (cited by Clinical Genomics, Uppaluri K&H Personalized Medicine Clinic); PubMed 18981553 (cited by Clinical Genomics, Uppaluri K&H Personalized Medicine Clinic); PubMed 32027066 (cited by Clinical Genomics, Uppaluri K&H Personalized Medicine Clinic); PubMed 16613899 (cited by Clinical Genomics, Uppaluri K&H Personalized Medicine Clinic); PubMed 18025408 (cited by Clinical Genomics, Uppaluri K&H Personalized Medicine Clinic); PubMed 32792356 (cited by Clinical Genomics, Uppaluri K&H Personalized Medicine Clinic).

NM_000352.6(ABCC8):c.513C>T (p.Leu171=)

Gene: ABCC8 (ATP binding cassette subfamily C member 8; minus strand). Cytogenetic location: 11p15.1.
Variant type: single nucleotide variant.
Coding change: c.513C>T on transcript NM_000352.6 (MANE Select); coding-DNA position 513, C replaced by T.
Protein change: p.Leu171=; no amino-acid change (leucine 171 retained).
Molecular consequence: synonymous variant. On other transcripts: non-coding transcript variant (1).
Genome position (GRCh38, 1-based): chr11:17,463,504, G>A on the plus strand (C>T on the coding strand, the complement: ABCC8 is on the minus strand). VCF-style: chr11-17463504-G-A. GRCh37 (hg19) VCF-style: chr11-17485051-G-A.
Other names: c.513C>T, p.Leu171= (NM_001287174.3, NM_001351295.2, NM_001351296.2 and 1 more transcripts).
Identifiers: ClinVar variation 765203 (VCV000765203.10), dbSNP rs767395738, ClinGen allele CA5903852.